The following is an entry in ClinVar:

NM_000153.4(GALC):c.330C>T (p.Asp110=)

Gene: GALC (galactosylceramidase; minus strand). Cytogenetic location: 14q31.3.
Variant type: single nucleotide variant.
Coding change: c.330C>T on transcript NM_000153.4 (MANE Select); coding-DNA position 330, C replaced by T.
Protein change: p.Asp110=; no amino-acid change (aspartic acid 110 retained).
Molecular consequence: synonymous variant.
Genome position (GRCh38, 1-based): chr14:87,986,601, G>A on the plus strand (C>T on the coding strand, the complement: GALC is on the minus strand). VCF-style: chr14-87986601-G-A. GRCh37 (hg19) VCF-style: chr14-88452945-G-A.
Other names: c.261C>T, p.Asp87= (NM_001201401.2); c.252C>T, p.Asp84= (NM_001201402.2).
Identifiers: ClinVar variation 92502 (VCV000092502.28), dbSNP rs11552556, ClinGen allele CA145813.

ClinVar aggregate classification (germline): Benign/Likely benign. Review status: criteria provided, multiple submitters, no conflicts (2 of 4 stars). 12 submissions from 12 submitters: Benign (6); Likely benign (1). 5 of the submissions do not count toward it. Last evaluated 2026-02-04.

Conditions:
Galactosylceramide beta-galactosidase deficiency. Also called: GALACTOCEREBROSIDASE DEFICIENCY; GALC DEFICIENCY; Leukodystrophy, Globoid Cell; Krabbe Disease; GLOBOID CELL LEUKOENCEPHALOPATHY. Identifiers: Orphanet 487, MedGen C0023521, MONDO:0009499, OMIM 245200.

Allele frequency attached by ClinVar (database versions not stated): 1000 Genomes Project 30x 0.01390; 1000 Genomes Project 0.01438; TOPMed 0.02840; gnomAD 0.03080 and 0.03162; ESP Exome Variant Server 0.03081; ExAC 0.03357; gnomAD exomes 0.04130.
gnomAD v4.1: 64,127 of 1,602,176 alleles (4%); highest among the groups gnomAD compares: Non-Finnish European, 4.6%; 1,549 homozygotes.

Submissions (12):

Labcorp Genetics (formerly Invitae), Labcorp
Classification: Benign for Galactosylceramide beta-galactosidase deficiency. Last evaluated: 2026-02-04. Review status: criteria provided, single submitter. Criteria: Invitae Variant Classification Sherloc (09022015). Collection method: clinical testing. Allele origin: germline.

Blueprint Genetics
Classification: Likely benign. Last evaluated: 2024-11-27. Review status: criteria provided, single submitter. Criteria: ACMG Guidelines, 2015. Collection method: clinical testing. Allele origin: germline.

Genome-Nilou Lab
Classification: Benign for Galactosylceramide beta-galactosidase deficiency. Last evaluated: 2021-07-01. Review status: criteria provided, single submitter. Criteria: ACMG Guidelines, 2015. Collection method: clinical testing. Allele origin: germline. Affected: no.

Illumina Laboratory Services, Illumina
Classification: Benign for Galactosylceramide beta-galactosidase deficiency. Last evaluated: 2018-01-13. Review status: criteria provided, single submitter. Criteria: ICSL Variant Classification Criteria 13 December 2019. Collection method: clinical testing. Allele origin: germline.
Comment: This variant was observed in the ICSL laboratory as part of a predisposition screen in an ostensibly healthy population. It had not been previously curated by ICSL or reported in the Human Gene Mutation Database (HGMD: prior to June 1st, 2018), and was therefore a candidate for classification through an automated scoring system. Utilizing variant allele frequency, disease prevalence and penetrance estimates, and inheritance mode, an automated score was calculated to assess if this variant is too frequent to cause the disease. Based on the score and internal cut-off values, a variant classified as benign is not then subjected to further curation. The score for this variant resulted in a classification of benign for this disease.

GeneDx
Classification: Benign. Last evaluated: 2015-03-03. Review status: criteria provided, single submitter. Criteria: GeneDx Variant Classification Process June 2021. Collection method: clinical testing. Allele origin: germline. Affected: yes.

Eurofins Ntd Llc (ga)
Classification: Benign. Last evaluated: 2013-01-03. Review status: criteria provided, single submitter. Criteria: EGL Classification Definitions 2015. Collection method: clinical testing. Allele origin: germline. Observed: 14 variant alleles, 14 heterozygotes.

Breakthrough Genomics
Classification: Benign. Review status: criteria provided, single submitter. Criteria: ACMG Guidelines, 2015. Collection method: not provided. Allele origin: germline. Inheritance: Autosomal recessive inheritance. Affected: yes.

Natera, Inc.
Classification: Benign for Galactosylceramide beta-galactosidase deficiency. Last evaluated: 2020-09-16. Review status: no assertion criteria provided. Collection method: clinical testing. Allele origin: germline. Not counted in ClinVar's aggregate classification.

Mayo Clinic Laboratories, Mayo Clinic
Classification: Benign. Last evaluated: 2017-04-19. Review status: no assertion criteria provided. Collection method: clinical testing. Allele origin: unknown. Not counted in ClinVar's aggregate classification.

Clinical Genetics DNA and cytogenetics Diagnostics Lab, Erasmus MC, Erasmus Medical Center
Classification: Benign. Review status: no assertion criteria provided. Collection method: clinical testing. Allele origin: germline. Affected: yes. Study: VKGL Data-share Consensus. Not counted in ClinVar's aggregate classification.

Clinical Genetics, Academic Medical Center
Classification: Benign. Review status: no assertion criteria provided. Collection method: clinical testing. Allele origin: germline. Affected: yes. Study: VKGL Data-share Consensus. Not counted in ClinVar's aggregate classification.

Diagnostic Laboratory, Department of Genetics, University Medical Center Groningen
Classification: Benign for Galactosylceramide beta-galactosidase deficiency. Review status: no assertion criteria provided. Collection method: clinical testing. Allele origin: germline. Affected: yes. Study: VKGL Data-share Consensus. Not counted in ClinVar's aggregate classification.